The following is an entry in ClinVar:

ClinVar aggregate classification (germline): Conflicting classifications of pathogenicity. Review status: criteria provided, conflicting classifications (1 of 4 stars). 13 submissions from 13 submitters: Uncertain significance (3); Likely benign (9). 1 of the submissions does not count toward it. Last evaluated 2026-09-01.

Conditions:
Cardiovascular phenotype. Identifiers: MedGen CN230736.
Glycogen storage disease, type II (IOPD). Also called: CARDIOMEGALIA GLYCOGENICA DIFFUSA; GLYCOGENOSIS, GENERALIZED, CARDIAC FORM; GSD II; Glucosidase acid-1,4-alpha deficiency; Pompe Disease; POMPE DISEASE, INFANTILE-ONSET. Identifiers: Orphanet 365, MedGen C0017921, MONDO:0009290, OMIM 232300.

Allele frequency attached by ClinVar (database versions not stated): 1000 Genomes Project 30x 0.00031; 1000 Genomes Project 0.00040; gnomAD 0.00106 and 0.00113; ExAC 0.00113; TOPMed 0.00113; ESP Exome Variant Server 0.00131.
gnomAD v4.1: 2,020 of 1,612,034 alleles (0.13%); highest among the groups gnomAD compares: Middle Eastern, 0.31%; no homozygotes.

Submissions (13):

CeGaT Center for Human Genetics Tuebingen
Classification: Likely benign. Last evaluated: 2026-09-01. Review status: criteria provided, single submitter. Criteria: CeGaT Center For Human Genetics Tuebingen Variant Classification Criteria Version 2. Collection method: clinical testing. Allele origin: germline. Affected: yes. Observed: 20 variant alleles.
Comment: GAA: BP4, BP7

Genomenon, Inc
Classification: Likely benign for Glycogen storage disease, type II. Last evaluated: 2026-07-01. Review status: criteria provided, single submitter. Criteria: Genomenon Sequence Variant Interpretation Standards - Updated. Collection method: curation. Allele origin: germline. Affected: yes.
Comment: GAA c.915G>A is a synonymous variant that retains Glycine at codon 305. This variant has been observed in at least one proband with a GAA-related disorder (PMID:25626711). This variant is not predicted to impact splicing. In conclusion, we classify GAA c.915G>A (p.Gly305=) as a likely benign variant.

Labcorp Genetics (formerly Invitae), Labcorp
Classification: Likely benign for Glycogen storage disease, type II. Last evaluated: 2026-02-03. Review status: criteria provided, single submitter. Criteria: Invitae Variant Classification Sherloc (09022015). Collection method: clinical testing. Allele origin: germline.

Mayo Clinic Laboratories, Mayo Clinic
Classification: Uncertain significance. Last evaluated: 2025-06-12. Review status: criteria provided, single submitter. Criteria: ACMG Guidelines, 2015. Collection method: clinical testing. Allele origin: germline. Observed: 8 variant alleles.
Comment: BP4, BP7, PM3

ARUP Laboratories, Molecular Genetics and Genomics, ARUP Laboratories
Classification: Likely benign for Glycogen storage disease, type II. Last evaluated: 2025-04-09. Review status: criteria provided, single submitter. Criteria: ARUP Molecular Germline Variant Investigation Process 2024. Collection method: clinical testing. Allele origin: germline.

Blueprint Genetics
Classification: Likely benign. Last evaluated: 2024-11-08. Review status: criteria provided, single submitter. Criteria: ACMG Guidelines, 2015. Collection method: clinical testing. Allele origin: germline.

Ambry Genetics
Classification: Likely benign for Cardiovascular phenotype. Last evaluated: 2022-03-04. Review status: criteria provided, single submitter. Criteria: Ambry Variant Classification Scheme 2023. Collection method: clinical testing. Allele origin: germline.

GeneDx
Classification: Likely benign. Last evaluated: 2021-05-19. Review status: criteria provided, single submitter. Criteria: GeneDx Variant Classification Process June 2021. Collection method: clinical testing. Allele origin: germline. Affected: yes.
Comment: This variant is associated with the following publications: (PMID: 22644586, 29149851)

Genome-Nilou Lab
Classification: Likely benign for Glycogen storage disease, type II. Last evaluated: 2021-05-18. Review status: criteria provided, single submitter. Criteria: ACMG Guidelines, 2015. Collection method: clinical testing. Allele origin: germline. Affected: no.

Broad Center for Mendelian Genomics, Broad Institute of MIT and Harvard
Classification: Likely benign for Glycogen storage disease, type II. Last evaluated: 2020-01-22. Review status: criteria provided, single submitter. Criteria: ACMG Guidelines, 2015. Collection method: curation. Allele origin: germline. Inheritance: Autosomal recessive inheritance.
Comment: The c.915G>A (p.Gly305=) variant in GAA has been reported in 2 individuals with limb-girdle muscle weakness (PMID: 29149851) and has also been reported as a likely benign variant by GeneDx and Invitae and as a VUS by EGL in ClinVar (Variation ID: 188478). This variant has been identified in 0.1843% (232/125858) of European (non-Finnish) chromosomes and 0.1138% (40/35140) of Latino chromosomes by the Genome Aggregation Database (gnomAD; dbSNP rs150343359). Although this variant has been seen in the general population, its frequency is not high enough to rule out a pathogenic role. Computational prediction tools (including splice predictors) and conservation analyses suggest that this variant may not impact the protein, though this information is not predictive enough to rule out pathogenicity. Novel synonymous variants supported by computational evidence without raised suspicion for an impact are likely benign (Richards 2015). In summary, although additional studies are required to fully establish its clinical significance, this variant is likely benign. ACMG/AMP Criteria applied: BP4, BP7 (Richards 2015).

Eurofins Ntd Llc (ga)
Classification: Uncertain significance. Last evaluated: 2018-08-10. Review status: criteria provided, single submitter. Criteria: EGL ClinVar v180209 classification definitions. Collection method: clinical testing. Allele origin: germline. Observed: 24 variant alleles, 24 heterozygotes.

Illumina Laboratory Services, Illumina
Classification: Uncertain significance for Glycogen storage disease, type II. Last evaluated: 2018-01-13. Review status: criteria provided, single submitter. Criteria: ICSL Variant Classification Criteria 13 December 2019. Collection method: clinical testing. Allele origin: germline.

Natera, Inc.
Classification: Likely benign for Glycogen storage disease type II. Last evaluated: 2020-01-10. Review status: no assertion criteria provided. Collection method: clinical testing. Allele origin: germline. Not counted in ClinVar's aggregate classification.

Literature cited by the submitters: PubMed 25626711 (cited by Genomenon, Inc and Mayo Clinic Laboratories, Mayo Clinic); PubMed 17027861 (cited by Mayo Clinic Laboratories, Mayo Clinic); PubMed 29149851 (cited by Mayo Clinic Laboratories, Mayo Clinic); PubMed 30564623 (cited by Mayo Clinic Laboratories, Mayo Clinic).

NM_000152.5(GAA):c.915G>A (p.Gly305=)

Gene: GAA (alpha glucosidase; plus strand). Cytogenetic location: 17q25.3.
Variant type: single nucleotide variant.
Coding change: c.915G>A on transcript NM_000152.5 (MANE Select); coding-DNA position 915, G replaced by A.
Protein change: p.Gly305=; no amino-acid change (glycine 305 retained).
Molecular consequence: synonymous variant.
Genome position (GRCh38, 1-based): chr17:80,107,856, G>A. VCF-style: chr17-80107856-G-A. GRCh37 (hg19) VCF-style: chr17-78081655-G-A.
Other names: c.915G>A, p.Gly305= (NM_001079803.3, NM_001079804.3).
Identifiers: ClinVar variation 188478 (VCV000188478.72), dbSNP rs150343359, ClinGen allele CA198779.